The following is an entry in ClinVar:

NM_021074.5(NDUFV2):c.526T>C (p.Cys176Arg)

Genes: NDUFV2 (NADH:ubiquinone oxidoreductase core subunit V2; plus strand), NDUFV2-AS1 (NDUFV2 antisense RNA 1; minus strand). Cytogenetic location: 18p11.22.
Variant type: single nucleotide variant.
Coding change: c.526T>C on transcript NM_021074.5 (MANE Select); coding-DNA position 526, T replaced by C.
Protein change: p.Cys176Arg; replaces cysteine 176 with arginine.
Molecular consequence: missense variant.
Genome position (GRCh38, 1-based): chr18:9,124,930, T>C. VCF-style: chr18-9124930-T-C. GRCh37 (hg19) VCF-style: chr18-9124928-T-C.
Other names: short protein forms C176R.
Identifiers: ClinVar variation 2008502 (VCV002008502.4), dbSNP rs2510155619, ClinGen allele CA401856799.
Genomic context (GRCh38, chr18:9,124,930, plus strand): 5'-TTAGGAATAAAGGTTGGGGAGACTACACCTGACAAACTTTTCACTCTTATAGAAGTGGAA[T>C]GTTTAGGGGCCTGTGTGAACGCACCAATGGTTCAAATAAATGACAATTACTATGTGAGTA-3'
Protein context (NP_066552.2, residues 166-186): DKLFTLIEVE[Cys176Arg]LGACVNAPMV

ClinVar aggregate classification (germline): Uncertain significance (1 of 4 stars; one submission).

Submission:

Labcorp Genetics (formerly Invitae), Labcorp
Classification: Uncertain significance. Last evaluated: 2025-10-27. Review status: criteria provided, single submitter. Criteria: Invitae Variant Classification Sherloc (09022015). Collection method: clinical testing. Allele origin: germline.
Comment: This sequence change replaces cysteine, which is neutral and slightly polar, with arginine, which is basic and polar, at codon 176 of the NDUFV2 protein (p.Cys176Arg). This variant is not present in population databases (gnomAD no frequency). This variant has not been reported in the literature in individuals affected with NDUFV2-related conditions. ClinVar contains an entry for this variant (Variation ID: 2008502). Invitae Evidence Modeling of protein sequence and biophysical properties (such as structural, functional, and spatial information, amino acid conservation, physicochemical variation, residue mobility, and thermodynamic stability) indicates that this missense variant is expected to disrupt NDUFV2 protein function with a positive predictive value of 80%. In summary, the available evidence is currently insufficient to determine the role of this variant in disease. Therefore, it has been classified as a Variant of Uncertain Significance.